The following is an entry in ClinVar:

ClinVar aggregate classification (germline): Likely benign (1 of 4 stars; one submission).

Submission:

CeGaT Center for Human Genetics Tuebingen
Classification: Likely benign. Last evaluated: 2024-08-01. Review status: criteria provided, single submitter. Criteria: CeGaT Center For Human Genetics Tuebingen Variant Classification Criteria Version 2. Collection method: clinical testing. Allele origin: germline. Affected: yes. Observed: 1 variant allele.
Comment: ANKRD11: PM2:Supporting, BP4, BP7

NM_013275.6(ANKRD11):c.5838G>A (p.Glu1946=)

Gene: ANKRD11 (ankyrin repeat domain 11; minus strand). Cytogenetic location: 16q24.3.
Variant type: single nucleotide variant.
Coding change: c.5838G>A on transcript NM_013275.6 (MANE Select); coding-DNA position 5838, G replaced by A.
Protein change: p.Glu1946=; no amino-acid change (glutamic acid 1946 retained).
Molecular consequence: synonymous variant.
Genome position (GRCh38, 1-based): chr16:89,280,704, C>T on the plus strand (G>A on the coding strand, the complement: ANKRD11 is on the minus strand). VCF-style: chr16-89280704-C-T. GRCh37 (hg19) VCF-style: chr16-89347112-C-T.
Other names: c.5838G>A, p.Glu1946= (NM_001256182.2, NM_001256183.2).
Identifiers: ClinVar variation 3342204 (VCV003342204.16).
Genomic context (GRCh38, chr16:89,280,704, plus strand): 5'-GGTGCCCCCGATCAGGCTAGAGGCAAGCGCCTGCTCGGAGGGGTGGGCCCACTCAACGGG[C>T]TCCTCGGTGATGACGGCGCTGAAGGGACCCTCGTCCAGCGGCTCCAGGTAGCTGGGCTCC-3'
Protein context (NP_037407.4, residues 1936-1956): EGPFSAVITE[Glu1946=]PVEWAHPSEQ